The following is an entry in ClinVar:

NM_138386.3(NAF1):c.1292T>G (p.Met431Arg)

Gene: NAF1 (nuclear assembly factor 1 ribonucleoprotein; minus strand). Cytogenetic location: 4q32.2.
Variant type: single nucleotide variant.
Coding change: c.1292T>G on transcript NM_138386.3 (MANE Select); coding-DNA position 1292, T replaced by G.
Protein change: p.Met431Arg; replaces methionine 431 with arginine.
Molecular consequence: missense variant. On other transcripts: intron variant (1).
Genome position (GRCh38, 1-based): chr4:163,129,090, A>C on the plus strand (T>G on the coding strand, the complement: NAF1 is on the minus strand). VCF-style: chr4-163129090-A-C. GRCh37 (hg19) VCF-style: chr4-164050242-A-C.
Other names: c.1034-1975T>G (NM_001128931.2); short protein forms M431R.
Identifiers: ClinVar variation 4725452 (VCV004725452.1).

ClinVar aggregate classification (germline): Uncertain significance (1 of 4 stars; one submission).

gnomAD v4.1: 1 of 1,604,506 alleles (0.000062%); highest among the groups gnomAD compares: South Asian, 0.0011%; no homozygotes.

Submission:

Labcorp Genetics (formerly Invitae), Labcorp
Classification: Uncertain significance. Last evaluated: 2025-10-25. Review status: criteria provided, single submitter. Criteria: Invitae Variant Classification Sherloc (09022015). Collection method: clinical testing. Allele origin: germline.
Comment: This sequence change replaces methionine, which is neutral and non-polar, with arginine, which is basic and polar, at codon 431 of the NAF1 protein (p.Met431Arg). This variant is not present in population databases (gnomAD no frequency). This variant has not been reported in the literature in individuals affected with NAF1-related conditions. An algorithm developed to predict the effect of missense changes on protein structure and function (PolyPhen-2) suggests that this variant is likely to be tolerated. In summary, the available evidence is currently insufficient to determine the role of this variant in disease. Therefore, it has been classified as a Variant of Uncertain Significance.